The following is an entry in ClinVar:

ClinVar aggregate classification (germline): Uncertain significance (1 of 4 stars; one submission).

Conditions:
Neurofibromatosis, type 1 (NF1). Also called: NEUROFIBROMATOSIS, TYPE I, SOMATIC; VON RECKLINGHAUSEN DISEASE; Neurofibromatosis, type I; Peripheral type neurofibromatosis. Identifiers: Orphanet 636, MedGen C0027831, MONDO:0018975, OMIM 162200. Disease mechanism: loss of function.

Submission:

3billion
Classification: Uncertain significance for Neurofibromatosis, type 1. Last evaluated: 2026-01-15. Review status: criteria provided, single submitter. Criteria: ACMG Guidelines, 2015. Collection method: clinical testing. Allele origin: germline. Affected: yes.
Comment: The variant is not observed in the gnomAD v4.1.0 dataset. Predicted Consequence/Location: Intron variant In silico tools predict the variant to alter splicing and produce an abnormal transcript [SpliceAI: 0.61 (>=0.2, moderate evidence for spliceogenicity)]. Therefore, this variant is classified as VUS according to the recommendation of ACMG/AMP guideline.

NM_001042492.3(NF1):c.1528-269_1528-208del

Gene: NF1 (neurofibromin 1; plus strand). Cytogenetic location: 17q11.2.
Variant type: Deletion.
Coding change: c.1528-269_1528-208del on transcript NM_001042492.3 (MANE Select); 269 bases into the intron before coding-DNA position 1528 through 208 bases into the intron before coding-DNA position 1528, 62 bases deleted.
Molecular consequence: intron variant.
Genome position (GRCh38, 1-based): chr17:31,218,736-31,218,797, 62 bases deleted. GRCh37 (hg19): chr17:29,545,754-29,545,815.
Other names: c.1528-269_1528-208del (NM_000267.4, NM_001128147.3).
Identifiers: ClinVar variation 4855717 (VCV004855717.1).